The following is an entry in ClinVar:

ClinVar aggregate classification (germline): Conflicting classifications of pathogenicity. Review status: criteria provided, conflicting classifications (1 of 4 stars). 4 submissions from 4 submitters: Uncertain significance (3); Benign (1). Last evaluated 2024-10-25.

Conditions:
Hydrops fetalis. Identifiers: Orphanet 1041, MedGen C0020305, MONDO:0015193, HP:0001789.

Allele frequency attached by ClinVar (database versions not stated): 1000 Genomes Project 0.00060; ExAC 0.00005; gnomAD 0.00008 and 0.00009; TOPMed 0.00009; gnomAD exomes 0.00010; 1000 Genomes Project 30x 0.00078.
gnomAD v4.1: 113 of 1,550,094 alleles (0.0073%); highest among the groups gnomAD compares: East Asian, 0.081%; no homozygotes.

Submissions (4):

Mayo Clinic Laboratories, Mayo Clinic
Classification: Uncertain significance. Last evaluated: 2024-10-25. Review status: criteria provided, single submitter. Criteria: ACMG Guidelines, 2015. Collection method: clinical testing. Allele origin: germline. Observed: 1 variant allele.
Comment: BP4

Revvity Omics, Revvity
Classification: Uncertain significance. Last evaluated: 2024-08-01. Review status: criteria provided, single submitter. Criteria: ACMG Guidelines, 2015. Collection method: clinical testing. Allele origin: germline.

Labcorp Genetics (formerly Invitae), Labcorp
Classification: Benign. Last evaluated: 2023-04-11. Review status: criteria provided, single submitter. Criteria: Invitae Variant Classification Sherloc (09022015). Collection method: clinical testing. Allele origin: germline.

Center for Reproductive Medicine, Peking University Third Hospital
Classification: Uncertain significance for Hydrops fetalis. Last evaluated: 2019-10-16. Review status: criteria provided, single submitter. Criteria: ACMG Guidelines, 2015. Collection method: clinical testing. Allele origin: germline. Affected: yes.

Literature cited by the submitters: PubMed 31680349 (cited by Mayo Clinic Laboratories, Mayo Clinic and Center for Reproductive Medicine, Peking University Third Hospital); PubMed 37902181 (cited by Mayo Clinic Laboratories, Mayo Clinic); PubMed 39051122 (cited by Mayo Clinic Laboratories, Mayo Clinic); PubMed 30244526 (cited by Center for Reproductive Medicine, Peking University Third Hospital).

NM_001142864.4(PIEZO1):c.7184C>T (p.Ala2395Val)

Gene: PIEZO1 (piezo type mechanosensitive ion channel component 1 (Er blood group); minus strand). Cytogenetic location: 16q24.3.
Variant type: single nucleotide variant.
Coding change: c.7184C>T on transcript NM_001142864.4 (MANE Select); coding-DNA position 7184, C replaced by T.
Protein change: p.Ala2395Val; replaces alanine 2395 with valine.
Molecular consequence: missense variant.
Genome position (GRCh38, 1-based): chr16:88,716,065, G>A on the plus strand (C>T on the coding strand, the complement: PIEZO1 is on the minus strand). VCF-style: chr16-88716065-G-A. GRCh37 (hg19) VCF-style: chr16-88782473-G-A.
Other names: p.Ala2395Val; short protein forms A2395V.
Identifiers: ClinVar variation 978650 (VCV000978650.5), dbSNP rs201347067, ClinGen allele CA8231385.
Genomic context (GRCh38, chr16:88,716,065, plus strand): 5'-CAGTCGGTCCGGCACTCCTGCAGCTCGATGACCCACCATTCGAGGAAGCCGGTGGCCCCC[G>A]CACCCTGCTCCCTCCGCAGCTGGATACGCACGCCGAGGTAGTCGGCCTCCTCATCTGGGA-3'
Protein context (NP_001136336.2, residues 2385-2405): VRIQLRREQG[Ala2395Val]GATGFLEWWV